The following is an entry in ClinVar:

ClinVar aggregate classification (germline): Uncertain significance (1 of 4 stars; one submission).

Conditions:
Ataxia-telangiectasia syndrome (AT). Also called: LOUIS-BAR SYNDROME; Cerebello-oculocutaneous telangiectasia; Immunodeficiency with ataxia telangiectasia; Ataxia telangiectasia (A-T); Ataxia-telangiectasia, complementation group D; AT, COMPLEMENTATION GROUP C. Identifiers: Orphanet 100, MedGen C0004135, MONDO:0008840, OMIM 208900.

Submission:

Labcorp Genetics (formerly Invitae), Labcorp
Classification: Uncertain significance for Ataxia-telangiectasia syndrome. Last evaluated: 2023-01-21. Review status: criteria provided, single submitter. Criteria: Invitae Variant Classification Sherloc (09022015). Collection method: clinical testing. Allele origin: germline.
Comment: In summary, the available evidence is currently insufficient to determine the role of this variant in disease. Therefore, it has been classified as a Variant of Uncertain Significance. Algorithms developed to predict the effect of missense changes on protein structure and function are either unavailable or do not agree on the potential impact of this missense change (SIFT: "Tolerated"; PolyPhen-2: "Possibly Damaging"; Align-GVGD: "Class C0"). This variant has not been reported in the literature in individuals affected with ATM-related conditions. This variant is not present in population databases (gnomAD no frequency). This sequence change replaces alanine, which is neutral and non-polar, with proline, which is neutral and non-polar, at codon 1958 of the ATM protein (p.Ala1958Pro).

NM_000051.4(ATM):c.5872G>C (p.Ala1958Pro)

Genes: ATM (ATM serine/threonine kinase; plus strand), C11orf65 (chromosome 11 open reading frame 65; minus strand). Cytogenetic location: 11q22.3.
Variant type: single nucleotide variant.
Coding change: c.5872G>C on transcript NM_000051.4 (MANE Select); coding-DNA position 5872, G replaced by C.
Protein change: p.Ala1958Pro; replaces alanine 1958 with proline.
Molecular consequence: missense variant. On other transcripts: intron variant (2).
Genome position (GRCh38, 1-based): chr11:108,310,269, G>C. VCF-style: chr11-108310269-G-C. GRCh37 (hg19) VCF-style: chr11-108180996-G-C.
Other names: c.5872G>C, p.Ala1958Pro (NM_001351834.2); c.641-1198C>G (NM_001330368.2); c.*39-1198C>G (NM_001351110.2); short protein forms A1958P.
Identifiers: ClinVar variation 2830879 (VCV002830879.3), dbSNP rs2136017252, ClinGen allele CA382548506.